The following is an entry in ClinVar:

NM_020366.4(RPGRIP1):c.2878G>A (p.Ala960Thr)

Gene: RPGRIP1 (RPGR interacting protein 1; plus strand). Cytogenetic location: 14q11.2.
Variant type: single nucleotide variant.
Coding change: c.2878G>A on transcript NM_020366.4 (MANE Select); coding-DNA position 2878, G replaced by A.
Protein change: p.Ala960Thr; replaces alanine 960 with threonine.
Molecular consequence: missense variant.
Genome position (GRCh38, 1-based): chr14:21,327,790, G>A. VCF-style: chr14-21327790-G-A. GRCh37 (hg19) VCF-style: chr14-21795949-G-A.
Other names: c.2878G>A (NM_020366.3); c.856G>A, p.Ala286Thr (NM_001377523.1, NM_001377950.1); c.1804G>A, p.Ala602Thr (NM_001377948.1); c.964G>A, p.Ala322Thr (NM_001377949.1); c.358G>A, p.Ala120Thr (NM_001377951.1); short protein forms A120T, A602T, A286T, A322T, A960T.
Identifiers: ClinVar variation 1397315 (VCV001397315.7), dbSNP rs35810926, ClinGen allele CA7089361.
Genomic context (GRCh38, chr14:21,327,790, plus strand): 5'-GCTCAGACTAAGGGGAAGGATACCAAGGACAGTTCAAAGATCTCATCTGAAGAGGAAAAG[G>A]CTTCATTTCCTTCCCAGGTAACTCTCCAGGACTCCACAGGTAGCAGATCTCTGCCAATCC-3'
Protein context (NP_065099.3, residues 950-970): SSKISSEEEK[Ala960Thr]SFPSQDQMAS

ClinVar aggregate classification (germline): Uncertain significance. Review status: criteria provided, multiple submitters, no conflicts (2 of 4 stars). 2 submissions from 2 submitters: Uncertain significance (2). Last evaluated 2022-08-15.

Conditions:
Leber congenital amaurosis 6 (LCA6). Identifiers: Orphanet 65, MedGen C1854260, MONDO:0013446, OMIM 613826.
Cone-rod dystrophy 13 (CORD13). Identifiers: Orphanet 1872, MedGen C2750720, MONDO:0011987, OMIM 608194.
Inborn genetic diseases. Identifiers: MedGen C0950123, MeSH D030342.

Submissions (2):

Labcorp Genetics (formerly Invitae), Labcorp
Classification: Uncertain significance for Leber congenital amaurosis 6; Cone-rod dystrophy 13. Last evaluated: 2022-08-15. Review status: criteria provided, single submitter. Criteria: Invitae Variant Classification Sherloc (09022015). Collection method: clinical testing. Allele origin: germline.
Comment: In summary, the available evidence is currently insufficient to determine the role of this variant in disease. Therefore, it has been classified as a Variant of Uncertain Significance. This sequence change replaces alanine, which is neutral and non-polar, with threonine, which is neutral and polar, at codon 960 of the RPGRIP1 protein (p.Ala960Thr). This variant is present in population databases (rs35810926, gnomAD 0.003%). This variant has not been reported in the literature in individuals affected with RPGRIP1-related conditions. ClinVar contains an entry for this variant (Variation ID: 1397315). Algorithms developed to predict the effect of missense changes on protein structure and function output the following: SIFT: "Tolerated"; PolyPhen-2: "Benign"; Align-GVGD: "Class C0". The threonine amino acid residue is found in multiple mammalian species, which suggests that this missense change does not adversely affect protein function.

Ambry Genetics
Classification: Uncertain significance for Inborn genetic diseases. Last evaluated: 2021-10-06. Review status: criteria provided, single submitter. Criteria: Ambry Variant Classification Scheme 2023. Collection method: clinical testing. Allele origin: germline.